The following is an entry in ClinVar:

NM_000384.3(APOB):c.13137_13139dup (p.Tyr4380Ter)

Gene: APOB (apolipoprotein B; minus strand). Cytogenetic location: 2p24.1.
Variant type: Duplication.
Coding change: c.13137_13139dup on transcript NM_000384.3 (MANE Select); coding-DNA positions 13137 to 13139, 3 bases duplicated (ATA; older notation c.13137_13139dupATA).
Protein change: p.Tyr4380Ter; replaces tyrosine 4380 with a stop codon.
Molecular consequence: nonsense.
Genome position (GRCh38, 1-based): chr2:21,002,283-21,002,285, TAT duplicated on the plus strand (ATA on the coding strand, the reverse complement: APOB is on the minus strand); duplicating any 3 consecutive bases within chr2:21,002,283-21,002,286 gives the same sequence; the c. name uses the placement nearest the transcript's 3' end. VCF-style (leftmost placement, unchanged base first): chr2-21002282-G-GTAT. GRCh37 (hg19) VCF-style: chr2-21225154-G-GTAT.
Other names: short protein forms Y4380*.
Identifiers: ClinVar variation 1353459 (VCV001353459.10), dbSNP rs2103346873, ClinGen allele CA2573134389.

ClinVar aggregate classification (germline): Uncertain significance. Review status: criteria provided, multiple submitters, no conflicts (2 of 4 stars). 2 submissions from 2 submitters: Uncertain significance (2). Last evaluated 2022-07-05.

Conditions:
Familial hypobetalipoproteinemia 1. Also called: APOB-Related Familial Hypobetalipoproteinemia; Hypobetalipoproteinemia, normotriglyceridemic; Acanthocytosis with hypobetalipoproteinemia. Identifiers: MedGen C4551990, MONDO:0014252, OMIM 615558.
Hypercholesterolemia, autosomal dominant, type B (FHCL2). Also called: APOB-Related Familial Hypercholesterolemia, Autosomal Dominant; HYPERCHOLESTEROLEMIA, FAMILIAL, DUE TO LIGAND-DEFECTIVE APOLIPOPROTEIN B; Hyperlipoproteinemia Type IIb; Familial Hypercholesterolemia Type B; APOLIPOPROTEIN B-100, FAMILIAL DEFECTIVE; APOLIPOPROTEIN B-100, FAMILIAL LIGAND-DEFECTIVE. Identifiers: MedGen C1704417, MONDO:0007751, OMIM 144010.
Cardiovascular phenotype. Identifiers: MedGen CN230736.

Submissions (2):

Labcorp Genetics (formerly Invitae), Labcorp
Classification: Uncertain significance for Familial hypobetalipoproteinemia 1; Hypercholesterolemia, autosomal dominant, type B. Last evaluated: 2022-07-05. Review status: criteria provided, single submitter. Criteria: Invitae Variant Classification Sherloc (09022015). Collection method: clinical testing. Allele origin: germline.
Comment: In summary, the available evidence is currently insufficient to determine the role of this variant in disease. Therefore, it has been classified as a Variant of Uncertain Significance. This sequence change creates a premature translational stop signal (p.Tyr4380*) in the APOB gene. While this is not anticipated to result in nonsense mediated decay, it is expected to disrupt the last 184 amino acid(s) of the APOB protein. This variant is not present in population databases (gnomAD no frequency). This premature translational stop signal has been observed in individual(s) with clinical features of hypobetalipoproteinemia (Invitae). ClinVar contains an entry for this variant (Variation ID: 1353459). Experimental studies and prediction algorithms are not available or were not evaluated, and the functional significance of this variant is currently unknown.

Ambry Genetics
Classification: Uncertain significance for Cardiovascular phenotype. Last evaluated: 2021-03-15. Review status: criteria provided, single submitter. Criteria: Ambry Variant Classification Scheme 2023. Collection method: clinical testing. Allele origin: germline.
Comment: The c.13137_13139dupATA variant (also known as p.Q4379_Y4380ins*), located in coding exon 29 of the APOB gene, results from an in-frame duplication of ATA at nucleotide positions 13137 to 13139. This results in the insertion of a stop codon within coding exon 29. This alteration is expected to result in premature protein truncation. However, loss of function of APOB has not been clearly established as a mechanism of disease. Since supporting evidence is limited at this time, the clinical significance of this alteration remains unclear.